The following is an entry in ClinVar:

ClinVar aggregate classification (germline): Likely benign (1 of 4 stars; one submission).

Allele frequency attached by ClinVar (database versions not stated): 1000 Genomes Project 30x 0.00406; 1000 Genomes Project 0.00459; ESP Exome Variant Server 0.00923; ExAC 0.00993.

Submission:

CeGaT Center for Human Genetics Tuebingen
Classification: Likely benign. Last evaluated: 2023-10-01. Review status: criteria provided, single submitter. Criteria: CeGaT Center For Human Genetics Tuebingen Variant Classification Criteria Version 2. Collection method: clinical testing. Allele origin: germline. Affected: yes. Observed: 1 variant allele.
Comment: NPY4R: BP4; NPY4R2: BP4

NM_001395253.1(NPY4R2):c.716G>A (p.Arg239Gln)

Genes: ANXA8 (annexin A8; minus strand), NPY4R2 (neuropeptide Y receptor Y4-2; plus strand). Cytogenetic location: 10q11.22.
Variant type: single nucleotide variant.
Coding change: c.716G>A on transcript NM_001395253.1 (MANE Select); coding-DNA position 716, G replaced by A.
Protein change: p.Arg239Gln; replaces arginine 239 with glutamine.
Molecular consequence: missense variant.
Genome position (GRCh38, 1-based): chr10:47,922,703, G>A. VCF-style: chr10-47922703-G-A. GRCh37 (hg19) VCF-style: chr10-47087499-G-A.
Other names: c.716G>A, p.Arg239Gln (NM_001278795.2); short protein forms R239Q.
Identifiers: ClinVar variation 2672396 (VCV002672396.23), dbSNP rs1554989211, ClinGen allele CA5485284.